The following is an entry in ClinVar:

NM_004656.4(BAP1):c.809T>C (p.Leu270Pro)

Gene: BAP1 (BRCA1 associated deubiquitinase 1; minus strand). Cytogenetic location: 3p21.1.
Variant type: single nucleotide variant.
Coding change: c.809T>C on transcript NM_004656.4 (MANE Select); coding-DNA position 809, T replaced by C.
Protein change: p.Leu270Pro; replaces leucine 270 with proline.
Molecular consequence: missense variant.
Genome position (GRCh38, 1-based): chr3:52,405,887, A>G on the plus strand (T>C on the coding strand, the complement: BAP1 is on the minus strand). VCF-style: chr3-52405887-A-G. GRCh37 (hg19) VCF-style: chr3-52439903-A-G.
Other names: short protein forms L270P.
Identifiers: ClinVar variation 648673 (VCV000648673.8), dbSNP rs1020385611, ClinGen allele CA74743049.
Genomic context (GRCh38, chr3:52,405,887, plus strand): 5'-TTGCTGGCTGACTTGGACTCCTCAGGCAGCTGTGACTCTTGAGACTTGTGGGTCTGAATC[A>G]GCTCTGGCTGTGTTACTCTTATCAGCTAACAACAGAATCCAGGGCTCAGAGGAGAAAGGG-3'
Protein context (NP_004647.1, residues 260-280): QQLIRVTQPE[Leu270Pro]IQTHKSQESQ

ClinVar aggregate classification (germline): Uncertain significance. Review status: criteria provided, multiple submitters, no conflicts (2 of 4 stars). 2 submissions from 2 submitters: Uncertain significance (2). Last evaluated 2023-06-14.

Conditions:
BAP1-related tumor predisposition syndrome (TPDS1). Also called: BAP1 tumor predisposition syndrome; Tumor susceptibility linked to germline BAP1 mutations; COMMON Syndrome; TUMOR PREDISPOSITION SYNDROME 1. Identifiers: Orphanet 289539, MedGen C3280492, MONDO:0013692, OMIM 614327.
Hereditary cancer-predisposing syndrome. Also called: Neoplastic Syndromes, Hereditary; Tumor predisposition; Hereditary Cancer Syndrome; Hereditary neoplastic syndrome. Identifiers: Orphanet 140162, MedGen C0027672, MeSH D009386, MONDO:0015356.

Allele frequency attached by ClinVar (database versions not stated): gnomAD exomes below 0.00001.
gnomAD v4.1: 2 of 1,614,122 alleles (0.00012%); highest among the groups gnomAD compares: Non-Finnish European, 0.00017%; no homozygotes.

Submissions (2):

Ambry Genetics
Classification: Uncertain significance for Hereditary cancer-predisposing syndrome. Last evaluated: 2023-06-14. Review status: criteria provided, single submitter. Criteria: Ambry Variant Classification Scheme 2023. Collection method: clinical testing. Allele origin: germline.
Comment: The p.L270P variant (also known as c.809T>C), located in coding exon 10 of the BAP1 gene, results from a T to C substitution at nucleotide position 809. The leucine at codon 270 is replaced by proline, an amino acid with similar properties. This amino acid position is highly conserved in available vertebrate species. In addition, the in silico prediction for this alteration is inconclusive. Since supporting evidence is limited at this time, the clinical significance of this alteration remains unclear.

Labcorp Genetics (formerly Invitae), Labcorp
Classification: Uncertain significance for BAP1-related tumor predisposition syndrome. Last evaluated: 2023-02-23. Review status: criteria provided, single submitter. Criteria: Invitae Variant Classification Sherloc (09022015). Collection method: clinical testing. Allele origin: germline.
Comment: In summary, the available evidence is currently insufficient to determine the role of this variant in disease. Therefore, it has been classified as a Variant of Uncertain Significance. Advanced modeling of protein sequence and biophysical properties (such as structural, functional, and spatial information, amino acid conservation, physicochemical variation, residue mobility, and thermodynamic stability) has been performed at Invitae for this missense variant, however the output from this modeling did not meet the statistical confidence thresholds required to predict the impact of this variant on BAP1 protein function. ClinVar contains an entry for this variant (Variation ID: 648673). This variant has not been reported in the literature in individuals affected with BAP1-related conditions. This variant is not present in population databases (gnomAD no frequency). This sequence change replaces leucine, which is neutral and non-polar, with proline, which is neutral and non-polar, at codon 270 of the BAP1 protein (p.Leu270Pro).